The following is an entry in ClinVar:

ClinVar aggregate classification (germline): Benign. Review status: criteria provided, multiple submitters, no conflicts (2 of 4 stars). 3 submissions from 3 submitters: Benign (3). Last evaluated 2018-06-14.

Conditions:
Maturity-onset diabetes of the young (MODY). Also called: Maturity onset diabetes mellitus in young. Identifiers: Orphanet 552, MedGen C0342276, MONDO:0018911, HP:0004904.

Allele frequency attached by ClinVar (database versions not stated): gnomAD 0.07760 and 0.08136; 1000 Genomes Project 0.08007; 1000 Genomes Project 30x 0.08120; TOPMed 0.08284.
gnomAD v4.1: 40,841 of 868,848 alleles (4.7%); highest among the groups gnomAD compares: African/African-American, 18%; 1,717 homozygotes.

Submissions (3):

GeneDx
Classification: Benign. Last evaluated: 2018-06-14. Review status: criteria provided, single submitter. Criteria: GeneDx Variant Classification (06012015). Collection method: clinical testing. Allele origin: germline. Affected: yes.
Comment: This variant is considered likely benign or benign based on one or more of the following criteria: it is a conservative change, it occurs at a poorly conserved position in the protein, it is predicted to be benign by multiple in silico algorithms, and/or has population frequency not consistent with disease.

Breakthrough Genomics
Classification: Benign. Review status: criteria provided, single submitter. Criteria: ACMG Guidelines, 2015. Collection method: not provided. Allele origin: germline. Inheritance: Autosomal dominant inheritance. Affected: yes.

Clinical Genomics, Uppaluri K&H Personalized Medicine Clinic
Classification: Benign for Maturity-onset diabetes of the young. Review status: criteria provided, single submitter. Criteria: K & H Uppaluri Personalized Medicine Clinic Variant Classification & Assertion Criteria_Updated V.1. Collection method: research. Allele origin: unknown. Inheritance: Autosomal dominant inheritance.
Comment: HNF1B gene mutations are associated with early onset diabetes and pancreatic atrophy. It is also associated with multiple renal manifestations including renal cysts, Tubulointerstitial disease, glomerulocystic disease, renal hypoplasia, hypomagnesemia. However no sufficient evidence is found to ascertain the role of this particular variant rs8066605, yet.

Literature cited by the submitters: PubMed 24897035 (cited by Clinical Genomics, Uppaluri K&H Personalized Medicine Clinic); PubMed 25536396 (cited by Clinical Genomics, Uppaluri K&H Personalized Medicine Clinic); PubMed 27615128 (cited by Clinical Genomics, Uppaluri K&H Personalized Medicine Clinic); PubMed 28215227 (cited by Clinical Genomics, Uppaluri K&H Personalized Medicine Clinic); PubMed 33434175 (cited by Clinical Genomics, Uppaluri K&H Personalized Medicine Clinic); PubMed 25741167 (cited by Clinical Genomics, Uppaluri K&H Personalized Medicine Clinic); PubMed 26340261 (cited by Clinical Genomics, Uppaluri K&H Personalized Medicine Clinic); PubMed 19639018 (cited by Clinical Genomics, Uppaluri K&H Personalized Medicine Clinic).

NM_000458.4(HNF1B):c.1654-106C>T

Gene: HNF1B (HNF1 homeobox B; minus strand). Cytogenetic location: 17q12.
Variant type: single nucleotide variant.
Coding change: c.1654-106C>T on transcript NM_000458.4 (MANE Select); 106 bases into the intron before coding-DNA position 1654, C replaced by T.
Molecular consequence: intron variant.
Genome position (GRCh38, 1-based): chr17:37,687,498, G>A on the plus strand (C>T on the coding strand, the complement: HNF1B is on the minus strand). VCF-style: chr17-37687498-G-A. GRCh37 (hg19) VCF-style: chr17-36047501-G-A.
Other names: c.1262-106C>T (NM_001304286.2); c.1576-106C>T (NM_001165923.4).
Identifiers: ClinVar variation 676394 (VCV000676394.3), dbSNP rs8066605, ClinGen allele CA290286738.